The following is an entry in ClinVar:

ClinVar aggregate classification (germline): Uncertain significance (1 of 4 stars; one submission).

Conditions:
Immunodeficiency, common variable, 10. Also called: IMMUNODEFICIENCY, COMMON VARIABLE, WITH CENTRAL ADRENAL INSUFFICIENCY; DEFICIT IN ANTERIOR PITUITARY FUNCTION AND VARIABLE IMMUNODEFICIENCY. Identifiers: MedGen C3809991, MONDO:0014260, OMIM 615577.

Allele frequency attached by ClinVar (database versions not stated): ExAC 0.00001.
gnomAD v4.1: 2 of 1,611,254 alleles (0.00012%); highest among the groups gnomAD compares: Admixed American, 0.0034%; no homozygotes.

Submission:

Labcorp Genetics (formerly Invitae), Labcorp
Classification: Uncertain significance for Immunodeficiency, common variable, 10. Last evaluated: 2025-12-27. Review status: criteria provided, single submitter. Criteria: Invitae Variant Classification Sherloc (09022015). Collection method: clinical testing. Allele origin: germline.
Comment: This sequence change replaces proline, which is neutral and non-polar, with threonine, which is neutral and polar, at codon 709 of the NFKB2 protein (p.Pro709Thr). The frequency data for this variant in the population databases is considered unreliable, as metrics indicate poor data quality at this position in the gnomAD database. This variant has not been reported in the literature in individuals affected with NFKB2-related conditions. ClinVar contains an entry for this variant (Variation ID: 1981661). An algorithm developed to predict the effect of missense changes on protein structure and function (PolyPhen-2) suggests that this variant is likely to be tolerated. In summary, the available evidence is currently insufficient to determine the role of this variant in disease. Therefore, it has been classified as a Variant of Uncertain Significance.

NM_001322934.2(NFKB2):c.2125C>A (p.Pro709Thr)

Gene: NFKB2 (nuclear factor kappa B subunit 2; plus strand). Cytogenetic location: 10q24.32.
Variant type: single nucleotide variant.
Coding change: c.2125C>A on transcript NM_001322934.2 (MANE Select); coding-DNA position 2125, C replaced by A.
Protein change: p.Pro709Thr; replaces proline 709 with threonine.
Molecular consequence: missense variant.
Genome position (GRCh38, 1-based): chr10:102,401,233, C>A. VCF-style: chr10-102401233-C-A. GRCh37 (hg19) VCF-style: chr10-104160990-C-A.
Other names: c.2125C>A, p.Pro709Thr (NM_001077493.1, NM_001077494.3, NM_001261403.3 and 2 more transcripts); c.1999C>A, p.Pro667Thr (NM_001322935.1); short protein forms P667T, P709T.
Identifiers: ClinVar variation 1981661 (VCV001981661.4), dbSNP rs761599377, ClinGen allele CA5664998.